The following is an entry in ClinVar:

NM_000383.4(AIRE):c.507C>G (p.Ser169Arg)

Gene: AIRE (autoimmune regulator; plus strand). Cytogenetic location: 21q22.3.
Variant type: single nucleotide variant.
Coding change: c.507C>G on transcript NM_000383.4 (MANE Select); coding-DNA position 507, C replaced by G.
Protein change: p.Ser169Arg; replaces serine 169 with arginine.
Molecular consequence: missense variant.
Genome position (GRCh38, 1-based): chr21:44,287,560, C>G. VCF-style: chr21-44287560-C-G. GRCh37 (hg19) VCF-style: chr21-45707443-C-G.
Other names: short protein forms S169R.
Identifiers: ClinVar variation 2819344 (VCV002819344.3), dbSNP rs566659101, ClinGen allele CA410423982.

ClinVar aggregate classification (germline): Uncertain significance (1 of 4 stars; one submission).

Conditions:
Polyglandular autoimmune syndrome, type 1 (APS1). Also called: AUTOIMMUNE POLYENDOCRINE SYNDROME, TYPE I, WITH OR WITHOUT REVERSIBLE METAPHYSEAL DYSPLASIA; APS I; Autoimmune polyendocrine syndrome type 1; HYPOADRENOCORTICISM WITH HYPOPARATHYROIDISM AND SUPERFICIAL MONILIASIS; PGA I; Autoimmune polyendocrinopathy syndrome, type I. Identifiers: Orphanet 3453, MedGen C0085859, MONDO:0009411, OMIM 240300.

Submission:

Labcorp Genetics (formerly Invitae), Labcorp
Classification: Uncertain significance for Polyglandular autoimmune syndrome, type 1. Last evaluated: 2023-02-18. Review status: criteria provided, single submitter. Criteria: Invitae Variant Classification Sherloc (09022015). Collection method: clinical testing. Allele origin: germline.
Comment: In summary, the available evidence is currently insufficient to determine the role of this variant in disease. Therefore, it has been classified as a Variant of Uncertain Significance. Algorithms developed to predict the effect of sequence changes on RNA splicing suggest that this variant may disrupt the consensus splice site. Advanced modeling of protein sequence and biophysical properties (such as structural, functional, and spatial information, amino acid conservation, physicochemical variation, residue mobility, and thermodynamic stability) performed at Invitae indicates that this missense variant is not expected to disrupt AIRE protein function. This variant has not been reported in the literature in individuals affected with AIRE-related conditions. This variant is not present in population databases (gnomAD no frequency). This sequence change replaces serine, which is neutral and polar, with arginine, which is basic and polar, at codon 169 of the AIRE protein (p.Ser169Arg).